The following is an entry in ClinVar:

NM_003738.5(PTCH2):c.2843G>A (p.Gly948Asp)

Gene: PTCH2 (patched 2; minus strand). Cytogenetic location: 1p34.1.
Variant type: single nucleotide variant.
Coding change: c.2843G>A on transcript NM_003738.5 (MANE Select); coding-DNA position 2843, G replaced by A.
Protein change: p.Gly948Asp; replaces glycine 948 with aspartic acid.
Molecular consequence: missense variant.
Genome position (GRCh38, 1-based): chr1:44,826,621, C>T on the plus strand (G>A on the coding strand, the complement: PTCH2 is on the minus strand). VCF-style: chr1-44826621-C-T. GRCh37 (hg19) VCF-style: chr1-45292293-C-T.
Other names: c.2843G>A, p.Gly948Asp (NM_001166292.2); short protein forms G948D.
Identifiers: ClinVar variation 3705981 (VCV003705981.2).

ClinVar aggregate classification (germline): Uncertain significance (1 of 4 stars; one submission).

Conditions:
Gorlin syndrome. Also called: Nevoid Basal Cell Carcinoma Syndrome; Basal cell nevus syndrome. Identifiers: Orphanet 377, MedGen C0004779, MONDO:0007187.

gnomAD v4.1: 3 of 1,613,242 alleles (0.00019%); highest among the groups gnomAD compares: Non-Finnish European, 0.00025%; no homozygotes.

Submission:

Labcorp Genetics (formerly Invitae), Labcorp
Classification: Uncertain significance for Gorlin syndrome. Last evaluated: 2024-11-11. Review status: criteria provided, single submitter. Criteria: Invitae Variant Classification Sherloc (09022015). Collection method: clinical testing. Allele origin: germline.
Comment: This sequence change replaces glycine, which is neutral and non-polar, with aspartic acid, which is acidic and polar, at codon 948 of the PTCH2 protein (p.Gly948Asp). This variant is not present in population databases (gnomAD no frequency). This variant has not been reported in the literature in individuals affected with PTCH2-related conditions. Invitae Evidence Modeling of protein sequence and biophysical properties (such as structural, functional, and spatial information, amino acid conservation, physicochemical variation, residue mobility, and thermodynamic stability) indicates that this missense variant is expected to disrupt PTCH2 protein function with a positive predictive value of 80%. In summary, the available evidence is currently insufficient to determine the role of this variant in disease. Therefore, it has been classified as a Variant of Uncertain Significance.